The following is an entry in ClinVar:

NM_004820.5(CYP7B1):c.187C>T (p.Arg63Ter)

Gene: CYP7B1 (cytochrome P450 family 7 subfamily B member 1; minus strand). Cytogenetic location: 8q12.3.
Variant type: single nucleotide variant.
Coding change: c.187C>T on transcript NM_004820.5 (MANE Select); coding-DNA position 187, C replaced by T.
Protein change: p.Arg63Ter; replaces arginine 63 with a stop codon.
Molecular consequence: nonsense.
Genome position (GRCh38, 1-based): chr8:64,624,475, G>A on the plus strand (C>T on the coding strand, the complement: CYP7B1 is on the minus strand). VCF-style: chr8-64624475-G-A. GRCh37 (hg19) VCF-style: chr8-65537032-G-A.
Other names: c.187C>T, p.Arg63Ter (NM_001324112.2); c.187C>T (NM_004820.4); short protein forms R63*.
Identifiers: ClinVar variation 488846 (VCV000488846.17), dbSNP rs746979262, ClinGen allele CA4764275.
Genomic context (GRCh38, chr8:64,624,475, plus strand): 5'-CTGTGAAAGTGTCACCATGTTGCTTTTGAAGTGTTTTCATGAACCTTAAGGGGTCTTTTC[G>A]TAAGTTCAGGACCACTCCAAGATAAGGAAGCCAACCTTTTATCAATGGAGGCTCACCGGG-3'

ClinVar aggregate classification (germline): Pathogenic. Review status: criteria provided, multiple submitters, no conflicts (2 of 4 stars). 5 submissions from 5 submitters: Pathogenic (4). 1 of the submissions does not count toward it. Last evaluated 2024-04-11.

Conditions:
Congenital bile acid synthesis defect 3. Identifiers: Orphanet 79302, MedGen C3151147, MONDO:0013439, OMIM 613812.
Hereditary spastic paraplegia 5A (SPG5A). Also called: SPASTIC PARAPLEGIA 5A, AUTOSOMAL RECESSIVE. Identifiers: Orphanet 100986, MedGen C1849115, MONDO:0010047, OMIM 270800.
Spastic paraplegia. Identifiers: MedGen C0037772, HP:0001258.
CYP7B1-related disorder. Also called: CYP7B1-related condition.

Allele frequency attached by ClinVar (database versions not stated): gnomAD 0.00001; gnomAD exomes 0.00001; ExAC 0.00002.
gnomAD v4.1: 19 of 1,612,786 alleles (0.0012%); highest among the groups gnomAD compares: East Asian, 0.0022%; no homozygotes.

Submissions (5):

Institute of Medical Genetics and Applied Genomics, University Hospital Tübingen
Classification: Pathogenic for Hereditary spastic paraplegia 5A. Last evaluated: 2024-04-11. Review status: criteria provided, single submitter. Criteria: ACMG Guidelines, 2015. Collection method: clinical testing. Allele origin: germline. Inheritance: Autosomal recessive inheritance. Affected: yes.

Fulgent Genetics
Classification: Pathogenic for Hereditary spastic paraplegia 5A; Congenital bile acid synthesis defect 3. Last evaluated: 2024-04-03. Review status: criteria provided, single submitter. Criteria: ACMG Guidelines, 2015. Collection method: clinical testing. Allele origin: germline.

Labcorp Genetics (formerly Invitae), Labcorp
Classification: Pathogenic for Spastic paraplegia. Last evaluated: 2024-02-29. Review status: criteria provided, single submitter. Criteria: Invitae Variant Classification Sherloc (09022015). Collection method: clinical testing. Allele origin: germline.
Comment: This sequence change creates a premature translational stop signal (p.Arg63*) in the CYP7B1 gene. It is expected to result in an absent or disrupted protein product. Loss-of-function variants in CYP7B1 are known to be pathogenic (PMID: 9802883, 19363635, 19439420, 21541746, 21567895, 28039895). This variant is present in population databases (rs746979262, gnomAD 0.01%). This premature translational stop signal has been observed in individuals with hereditary spastic paraplegia (PMID: 19439420, 21623769, 24482476). ClinVar contains an entry for this variant (Variation ID: 488846). For these reasons, this variant has been classified as Pathogenic.

GeneDx
Classification: Pathogenic. Last evaluated: 2021-01-07. Review status: criteria provided, single submitter. Criteria: GeneDx Variant Classification Process June 2021. Collection method: clinical testing. Allele origin: germline. Affected: yes.
Comment: Nonsense variant predicted to result in protein truncation or nonsense mediated decay in a gene for which loss-of-function is a known mechanism of disease; Not observed at a significant frequency or in the homozygous state in large population cohorts (Lek et al., 2016); This variant is associated with the following publications: (PMID: 21623769, 24482476, 19439420, 21541746, 31227335, 31589614)

PreventionGenetics, part of Exact Sciences
Classification: Pathogenic for CYP7B1-related condition. Last evaluated: 2024-09-12. Review status: no assertion criteria provided. Collection method: clinical testing. Allele origin: germline. Not counted in ClinVar's aggregate classification.
Comment: The CYP7B1 c.187C>T variant is predicted to result in premature protein termination (p.Arg63*). This variant was reported, along with a second variant in the same gene, in individuals with spastic paraplegia (see, for example, Goizet et al. 2009. PubMed ID: 19439420; Table S2, Chen et al. 2019. PubMed ID: 31227335). This variant is reported in 0.011% of alleles in individuals of East Asian descent in gnomAD. Nonsense variants in CYP7B1 are expected to be pathogenic. This variant is interpreted as pathogenic.

Literature cited by the submitters: PubMed 9802883 (cited by Labcorp Genetics (formerly Invitae), Labcorp); PubMed 19363635 (cited by Labcorp Genetics (formerly Invitae), Labcorp); PubMed 19439420 (cited by Labcorp Genetics (formerly Invitae), Labcorp); PubMed 21541746 (cited by Labcorp Genetics (formerly Invitae), Labcorp); PubMed 21567895 (cited by Labcorp Genetics (formerly Invitae), Labcorp); PubMed 28039895 (cited by Labcorp Genetics (formerly Invitae), Labcorp); PubMed 21623769 (cited by Labcorp Genetics (formerly Invitae), Labcorp); PubMed 24482476 (cited by Labcorp Genetics (formerly Invitae), Labcorp).